The following is an entry in ClinVar:

ClinVar aggregate classification (germline): Uncertain significance (1 of 4 stars; one submission).

Conditions:
Hereditary cancer-predisposing syndrome. Also called: Neoplastic Syndromes, Hereditary; Tumor predisposition; Hereditary Cancer Syndrome; Hereditary neoplastic syndrome. Identifiers: Orphanet 140162, MedGen C0027672, MeSH D009386, MONDO:0015356.

Submission:

Ambry Genetics
Classification: Uncertain significance for Hereditary cancer-predisposing syndrome. Last evaluated: 2025-11-15. Review status: criteria provided, single submitter. Criteria: Ambry Variant Classification Scheme 2023. Collection method: clinical testing. Allele origin: germline.
Comment: The p.E127D variant (also known as c.381G>T), located in coding exon 2 of the PTCH1 gene, results from a G to T substitution at nucleotide position 381. The glutamic acid at codon 127 is replaced by aspartic acid, an amino acid with highly similar properties. This amino acid position is conserved. In addition, the in silico prediction for this alteration is inconclusive. Based on the available evidence, the clinical significance of this variant remains unclear.

NM_000264.5(PTCH1):c.381G>T (p.Glu127Asp)

Gene: PTCH1 (patched 1; minus strand). Cytogenetic location: 9q22.32.
Variant type: single nucleotide variant.
Coding change: c.381G>T on transcript NM_000264.5 (MANE Select); coding-DNA position 381, G replaced by T.
Protein change: p.Glu127Asp; replaces glutamic acid 127 with aspartic acid.
Molecular consequence: missense variant. On other transcripts: 5 prime UTR variant (4), non-coding transcript variant (1).
Genome position (GRCh38, 1-based): chr9:95,506,420, C>A on the plus strand (G>T on the coding strand, the complement: PTCH1 is on the minus strand). VCF-style: chr9-95506420-C-A. GRCh37 (hg19) VCF-style: chr9-98268702-C-A.
Other names: c.183G>T, p.Glu61Asp (NM_001083602.3, NM_001354919.2); c.378G>T, p.Glu126Asp (NM_001083603.3); c.-73G>T (NM_001083604.3, NM_001083605.3, NM_001083606.3 and 1 more transcripts); c.381G>T, p.Glu127Asp (NM_001354918.2); short protein forms E126D, E61D, E127D.
Identifiers: ClinVar variation 4676032 (VCV004676032.1).